The following is an entry in ClinVar:

ClinVar aggregate classification (germline): Uncertain significance. Review status: criteria provided, multiple submitters, no conflicts (2 of 4 stars). 5 submissions from 5 submitters: Uncertain significance (5). Last evaluated 2024-01-15.

Conditions:
Inborn genetic diseases. Identifiers: MedGen C0950123, MeSH D030342.

Allele frequency attached by ClinVar (database versions not stated): ESP Exome Variant Server 0.00008; ExAC 0.00005; TOPMed 0.00005; gnomAD exomes 0.00006; gnomAD 0.00007.
gnomAD v4.1: 92 of 1,613,404 alleles (0.0057%); highest among the groups gnomAD compares: Non-Finnish European, 0.0067%; 1 homozygote.

Submissions (5):

Labcorp Genetics (formerly Invitae), Labcorp
Classification: Uncertain significance. Last evaluated: 2024-01-15. Review status: criteria provided, single submitter. Criteria: Invitae Variant Classification Sherloc (09022015). Collection method: clinical testing. Allele origin: germline.
Comment: This sequence change replaces threonine, which is neutral and polar, with methionine, which is neutral and non-polar, at codon 760 of the TJP2 protein (p.Thr760Met). This variant is present in population databases (rs370850127, gnomAD 0.01%). This variant has not been reported in the literature in individuals affected with TJP2-related conditions. ClinVar contains an entry for this variant (Variation ID: 499613). Advanced modeling of protein sequence and biophysical properties (such as structural, functional, and spatial information, amino acid conservation, physicochemical variation, residue mobility, and thermodynamic stability) performed at Invitae indicates that this missense variant is not expected to disrupt TJP2 protein function with a negative predictive value of 80%. In summary, the available evidence is currently insufficient to determine the role of this variant in disease. Therefore, it has been classified as a Variant of Uncertain Significance.

GeneDx
Classification: Uncertain significance. Last evaluated: 2023-05-10. Review status: criteria provided, single submitter. Criteria: GeneDx Variant Classification Process June 2021. Collection method: clinical testing. Allele origin: germline. Affected: yes.
Comment: In silico analysis supports that this missense variant has a deleterious effect on protein structure/function; Has not been previously published as pathogenic or benign to our knowledge

Ambry Genetics
Classification: Uncertain significance for Inborn genetic diseases. Last evaluated: 2023-01-24. Review status: criteria provided, single submitter. Criteria: Ambry Variant Classification Scheme 2023. Collection method: clinical testing. Allele origin: germline.

Mayo Clinic Laboratories, Mayo Clinic
Classification: Uncertain significance. Last evaluated: 2022-06-03. Review status: criteria provided, single submitter. Criteria: ACMG Guidelines, 2015. Collection method: clinical testing. Allele origin: germline. Observed: 1 variant allele.
Comment: BP4, PM2

Eurofins Ntd Llc (ga)
Classification: Uncertain significance. Last evaluated: 2018-03-06. Review status: criteria provided, single submitter. Criteria: EGL ClinVar v180209 classification definitions. Collection method: clinical testing. Allele origin: germline. Observed: 2 variant alleles, 2 heterozygotes.

NM_004817.4(TJP2):c.2279C>T (p.Thr760Met)

Gene: TJP2 (tight junction protein 2; plus strand). Cytogenetic location: 9q21.11.
Variant type: single nucleotide variant.
Coding change: c.2279C>T on transcript NM_004817.4 (MANE Select); coding-DNA position 2279, C replaced by T.
Protein change: p.Thr760Met; replaces threonine 760 with methionine.
Molecular consequence: missense variant.
Genome position (GRCh38, 1-based): chr9:69,238,713, C>T. VCF-style: chr9-69238713-C-T. GRCh37 (hg19) VCF-style: chr9-71853629-C-T.
Other names: p.Thr760Met; c.2210C>T, p.Thr737Met (NM_001170414.2, NM_001369871.1); c.2291C>T, p.Thr764Met (NM_001170415.1, NM_001369874.1, NM_001369875.1); c.2372C>T, p.Thr791Met (NM_001170416.2); c.2204C>T, p.Thr735Met (NM_001369870.1); c.2279C>T, p.Thr760Met (NM_001369872.1, NM_001369873.1, NM_201629.3 and 1 more transcripts); c.2279C>T (NM_004817.3); short protein forms T760M, T735M, T791M, T737M, T764M.
Identifiers: ClinVar variation 499613 (VCV000499613.12), dbSNP rs370850127, ClinGen allele CA5073634.